The following is an entry in ClinVar:

NM_000127.3(EXT1):c.1767dup (p.Val590fs)

Gene: EXT1 (exostosin glycosyltransferase 1; minus strand). Cytogenetic location: 8q24.11.
Variant type: Duplication.
Coding change: c.1767dup on transcript NM_000127.3 (MANE Select); coding-DNA position 1767, one base duplicated (T; older notation c.1767dupT).
Protein change: p.Val590fs; shifts the reading frame from valine 590.
Molecular consequence: frameshift variant.
Genome position (GRCh38, 1-based): chr8:117,807,333, A duplicated on the plus strand (T on the coding strand, the reverse complement: EXT1 is on the minus strand); the first of 2 consecutive A bases (chr8:117,807,333-117,807,334); duplicating either gives the same sequence. VCF-style (leftmost placement, unchanged base first): chr8-117807332-C-CA. GRCh37 (hg19) VCF-style: chr8-118819571-C-CA.
Other names: short protein forms V590fs.
Identifiers: ClinVar variation 2736800 (VCV002736800.3), dbSNP rs2488089392, ClinGen allele CA2697550117.

ClinVar aggregate classification (germline): Pathogenic (1 of 4 stars; one submission).

Conditions:
Multiple congenital exostosis (EXT). Also called: Hereditary multiple exostoses; Hereditary multiple exostosis; MULTIPLE CARTILAGINOUS EXOSTOSES; Multiple exostoses; Multiple osteochondromas; Hereditary multiple osteochondromas. Identifiers: Orphanet 321, MedGen C0015306, MONDO:0005508, HP:0002762.

Submission:

Labcorp Genetics (formerly Invitae), Labcorp
Classification: Pathogenic for Multiple congenital exostosis. Last evaluated: 2023-07-18. Review status: criteria provided, single submitter. Criteria: Invitae Variant Classification Sherloc (09022015). Collection method: clinical testing. Allele origin: germline.
Comment: This variant is not present in population databases (gnomAD no frequency). This sequence change creates a premature translational stop signal (p.Val590Cysfs*12) in the EXT1 gene. It is expected to result in an absent or disrupted protein product. Loss-of-function variants in EXT1 are known to be pathogenic (PMID: 10679937, 11391482, 19810120). This variant has not been reported in the literature in individuals affected with EXT1-related conditions. For these reasons, this variant has been classified as Pathogenic.

Literature cited by the submitters: PubMed 10679937; PubMed 11391482; PubMed 19810120.